The following is an entry in ClinVar:

ClinVar aggregate classification (germline): Pathogenic/Likely pathogenic. Review status: criteria provided, multiple submitters, no conflicts (2 of 4 stars). 4 submissions from 4 submitters: Pathogenic (2); Likely pathogenic (2). Last evaluated 2024-08-21.

Conditions:
STAR-related disorder. Also called: STAR-related condition.
Congenital lipoid adrenal hyperplasia due to STAR deficency. Also called: Cholesterol monooxygenase (side-chain cleaving) deficiency; Lipoid adrenal hyperplasia; Congenital Lipoid Adrenal Hyperplasia; ADRENAL HYPERPLASIA I. Identifiers: Orphanet 418, Orphanet 90790, MedGen C0342474, MONDO:0008725, OMIM 201710.

Allele frequency attached by ClinVar (database versions not stated): gnomAD exomes 0.00001; TOPMed 0.00002; gnomAD 0.00003; ExAC 0.00004.
gnomAD v4.1: 16 of 1,609,722 alleles (0.00099%); highest among the groups gnomAD compares: Non-Finnish European, 0.0013%; no homozygotes.

Submissions (4):

Natera, Inc.
Classification: Likely pathogenic for Congenital lipoid adrenal hyperplasia. Last evaluated: 2024-08-21. Review status: criteria provided, single submitter. Criteria: Natera Variant Classification Schema (03/2026). Collection method: clinical testing. Allele origin: germline.
Comment: The c.824T>C variant in STAR is a missense variant predicted to cause substitution of leucine to proline at amino acid 275. This variant is rare in the general population with a frequency below the threshold expected for the associated phenotype(s). This variant has been observed in one or more individuals affected with the associated recessive disease, as either homozygous or compound heterozygous with a second variant (PMID: 32252217, 21647419, 15666846, 8948562). Additionally, this variant has been observed to segregate in affected family members (PMID: 15666846). Computational prediction algorithms indicate this variant is likely to affect gene or protein function. Given the available evidence, this variant is classified as Likely Pathogenic.

Blueprint Genetics
Classification: Pathogenic for STAR-related disorders. Last evaluated: 2024-06-27. Review status: criteria provided, single submitter. Criteria: ACMG Guidelines, 2015. Collection method: clinical testing. Allele origin: germline. Affected: yes. Observed: 5 variant alleles.

Fulgent Genetics
Classification: Likely pathogenic for Congenital lipoid adrenal hyperplasia due to STAR deficency. Last evaluated: 2024-05-28. Review status: criteria provided, single submitter. Criteria: ACMG Guidelines, 2015. Collection method: clinical testing. Allele origin: germline.

Labcorp Genetics (formerly Invitae), Labcorp
Classification: Pathogenic. Last evaluated: 2023-11-01. Review status: criteria provided, single submitter. Criteria: Invitae Variant Classification Sherloc (09022015). Collection method: clinical testing. Allele origin: germline.
Comment: This sequence change replaces leucine, which is neutral and non-polar, with proline, which is neutral and non-polar, at codon 275 of the STAR protein (p.Leu275Pro). The frequency data for this variant in the population databases is considered unreliable, as metrics indicate poor data quality at this position in the gnomAD database. This missense change has been observed in individuals with lipoid adrenal hyperplasia (PMID: 8948562, 15666846). It has also been observed to segregate with disease in related individuals. ClinVar contains an entry for this variant (Variation ID: 957675). Advanced modeling of protein sequence and biophysical properties (such as structural, functional, and spatial information, amino acid conservation, physicochemical variation, residue mobility, and thermodynamic stability) performed at Invitae indicates that this missense variant is expected to disrupt STAR protein function with a positive predictive value of 80%. Experimental studies have shown that this missense change affects STAR function (PMID: 8948562, 11279152, 15666846, 18729825). For these reasons, this variant has been classified as Pathogenic.

Literature cited by the submitters: PubMed 32252217 (cited by Natera, Inc.); PubMed 21647419 (cited by Natera, Inc.); PubMed 15666846 (cited by Natera, Inc. and Labcorp Genetics (formerly Invitae), Labcorp); PubMed 8948562 (cited by Natera, Inc. and Labcorp Genetics (formerly Invitae), Labcorp); PubMed 11279152 (cited by Labcorp Genetics (formerly Invitae), Labcorp); PubMed 18729825 (cited by Labcorp Genetics (formerly Invitae), Labcorp).

NM_000349.3(STAR):c.824T>C (p.Leu275Pro)

Gene: STAR (steroidogenic acute regulatory protein; minus strand). Cytogenetic location: 8p11.23.
Variant type: single nucleotide variant.
Coding change: c.824T>C on transcript NM_000349.3 (MANE Select); coding-DNA position 824, T replaced by C.
Protein change: p.Leu275Pro; replaces leucine 275 with proline.
Molecular consequence: missense variant.
Genome position (GRCh38, 1-based): chr8:38,144,307, A>G on the plus strand (T>C on the coding strand, the complement: STAR is on the minus strand). VCF-style: chr8-38144307-A-G. GRCh37 (hg19) VCF-style: chr8-38001825-A-G.
Other names: short protein forms L275P.
Identifiers: ClinVar variation 957675 (VCV000957675.12), dbSNP rs762245736, ClinGen allele CA4715122.